The following is an entry in ClinVar:

NM_022765.4(MICAL1):c.2444G>A (p.Arg815Gln)

Gene: MICAL1 (microtubule associated monooxygenase, calponin and LIM domain containing 1; minus strand). Cytogenetic location: 6q21.
Variant type: single nucleotide variant.
Coding change: c.2444G>A on transcript NM_022765.4 (MANE Select); coding-DNA position 2444, G replaced by A.
Protein change: p.Arg815Gln; replaces arginine 815 with glutamine.
Molecular consequence: missense variant.
Genome position (GRCh38, 1-based): chr6:109,446,273, C>T on the plus strand (G>A on the coding strand, the complement: MICAL1 is on the minus strand). VCF-style: chr6-109446273-C-T. GRCh37 (hg19) VCF-style: chr6-109767476-C-T.
Other names: c.2186G>A, p.Arg729Gln (NM_001159291.2); c.2501G>A, p.Arg834Gln (NM_001286613.2); short protein forms R729Q, R815Q, R834Q.
Identifiers: ClinVar variation 2180599 (VCV002180599.4), dbSNP rs567174912, ClinGen allele CA3952893.

ClinVar aggregate classification (germline): Uncertain significance (1 of 4 stars; one submission).

Allele frequency attached by ClinVar (database versions not stated): 1000 Genomes Project 30x 0.00016; 1000 Genomes Project 0.00020.
gnomAD v4.1: 78 of 1,613,646 alleles (0.0048%); highest among the groups gnomAD compares: East Asian, 0.0089%; no homozygotes.

Submission:

Labcorp Genetics (formerly Invitae), Labcorp
Classification: Uncertain significance. Last evaluated: 2023-11-24. Review status: criteria provided, single submitter. Criteria: Invitae Variant Classification Sherloc (09022015). Collection method: clinical testing. Allele origin: germline.
Comment: This sequence change replaces arginine, which is basic and polar, with glutamine, which is neutral and polar, at codon 834 of the MICAL1 protein (p.Arg834Gln). This variant is present in population databases (rs567174912, gnomAD 0.007%). This variant has not been reported in the literature in individuals affected with MICAL1-related conditions. ClinVar contains an entry for this variant (Variation ID: 2180599). Algorithms developed to predict the effect of missense changes on protein structure and function output the following: SIFT: "Not Available"; PolyPhen-2: "Benign"; Align-GVGD: "Not Available". The glutamine amino acid residue is found in multiple mammalian species, which suggests that this missense change does not adversely affect protein function. In summary, the available evidence is currently insufficient to determine the role of this variant in disease. Therefore, it has been classified as a Variant of Uncertain Significance.